The following is an entry in ClinVar:

NM_001927.4(DES):c.833G>C (p.Arg278Pro)

Gene: DES (desmin; plus strand). Cytogenetic location: 2q35.
Variant type: single nucleotide variant.
Coding change: c.833G>C on transcript NM_001927.4 (MANE Select); coding-DNA position 833, G replaced by C.
Protein change: p.Arg278Pro; replaces arginine 278 with proline.
Molecular consequence: missense variant.
Genome position (GRCh38, 1-based): chr2:219,420,592, G>C. VCF-style: chr2-219420592-G-C. GRCh37 (hg19) VCF-style: chr2-220285314-G-C.
Other names: p.R278P:CGG>CCG; c.833G>C (LRG_380t1); short protein forms R278P.
Identifiers: ClinVar variation 201723 (VCV000201723.12), dbSNP rs761475402, ClinGen allele CA308319.
Genomic context (GRCh38, chr2:219,420,592, plus strand): 5'-AGGTCCAGGTGGAGATGGACATGTCTAAGCCAGACCTCACTGCCGCCCTCAGGGACATCC[G>C]GGCTCAGTATGAGACCATCGCGGCTAAGAACATTTCTGAAGCTGAGGAGTGGTACAAGTC-3'
Protein context (NP_001918.3, residues 268-288): PDLTAALRDI[Arg278Pro]AQYETIAAKN

ClinVar aggregate classification (germline): Conflicting classifications of pathogenicity. Review status: criteria provided, conflicting classifications (1 of 4 stars). 2 submissions from 2 submitters: Likely pathogenic (1); Uncertain significance (1). Last evaluated 2025-09-08.

Conditions:
Desmin-related myofibrillar myopathy (MFM1). Also called: MYOFIBRILLAR MYOPATHY WITH ARRHYTHMOGENIC RIGHT VENTRICULAR CARDIOMYOPATHY; DESMIN-RELATED MYOPATHY WITH ARRHYTHMOGENIC RIGHT VENTRICULAR CARDIOMYOPATHY; Myofibrillar myopathy 1; Desminopathy; Desmin related myopathy (former name); Desmin storage myopathy (former name). Identifiers: Orphanet 363543, Orphanet 98909, MedGen C1832370, MONDO:0011076, OMIM 601419.

Submissions (2):

Labcorp Genetics (formerly Invitae), Labcorp
Classification: Likely pathogenic for Desmin-related myofibrillar myopathy. Last evaluated: 2025-09-08. Review status: criteria provided, single submitter. Criteria: Invitae Variant Classification Sherloc (09022015). Collection method: clinical testing. Allele origin: germline.
Comment: This sequence change replaces arginine, which is basic and polar, with proline, which is neutral and non-polar, at codon 278 of the DES protein (p.Arg278Pro). This variant is not present in population databases (gnomAD no frequency). This variant has not been reported in the literature in individuals affected with DES-related conditions. ClinVar contains an entry for this variant (Variation ID: 201723). Invitae Evidence Modeling of protein sequence and biophysical properties (such as structural, functional, and spatial information, amino acid conservation, physicochemical variation, residue mobility, and thermodynamic stability) indicates that this missense variant is expected to disrupt DES protein function with a positive predictive value of 95%. This variant disrupts the p.Arg278 amino acid residue in DES. Other variant(s) that disrupt this residue have been determined to be pathogenic (PMID: 27532257, 31983221, 36788754, 37652022). This suggests that this residue is clinically significant, and that variants that disrupt this residue are likely to be disease-causing. In summary, the currently available evidence indicates that the variant is pathogenic, but additional data are needed to prove that conclusively. Therefore, this variant has been classified as Likely Pathogenic.

GeneDx
Classification: Uncertain significance. Last evaluated: 2011-11-30. Review status: criteria provided, single submitter. Criteria: GeneDx Variant Classification (06012015). Collection method: clinical testing. Allele origin: germline. Affected: yes.
Comment: p.Arg278Pro (CGG>CCG): c.833 G>C in exon 4 of the DES gene. The Arg278Pro variant in the DES gene has not been reported previously as a disease-causing mutation or as a benign polymorphism, to our knowledge. Arg278Pro results in a non-conservative amino acid substitution of a positively-charged Arginine residue with a non-polar, sterically constrained Proline at a position that is highly conserved throughout evolution. In silico analysis predicts Arg278Pro is probably damaging to protein structure/function (Adzhubei et al., 2010; Kumar et al., 2009; Schwarz et al., 2010) Two nearby missense mutations (Leu274Arg, Leu274Pro) have been reported in association with desmin-related myopathy. However, no mutation has been reported in association with a cardiomyopathy phenotype in neighboring codons. With the clinical and molecular information available at this time, we cannot unequivocally determine the clinical significance of Arg278Pro in the DES gene. The variant is found in DCM panel(s).

Literature cited by the submitters: PubMed 27532257 (cited by Labcorp Genetics (formerly Invitae), Labcorp); PubMed 31983221 (cited by Labcorp Genetics (formerly Invitae), Labcorp); PubMed 36788754 (cited by Labcorp Genetics (formerly Invitae), Labcorp); PubMed 37652022 (cited by Labcorp Genetics (formerly Invitae), Labcorp).